The following is an entry in ClinVar:

NM_000287.4(PEX6):c.2604_2605del (p.Phe869fs)

Gene: PEX6 (peroxisomal biogenesis factor 6; minus strand). Cytogenetic location: 6p21.1.
Variant type: Microsatellite.
Coding change: c.2604_2605del on transcript NM_000287.4 (MANE Select); coding-DNA positions 2604 to 2605, 2 bases deleted (GT; older notation c.2604_2605delGT).
Protein change: p.Phe869fs; shifts the reading frame from phenylalanine 869.
Molecular consequence: frameshift variant. On other transcripts: non-coding transcript variant (1).
Genome position (GRCh38, 1-based): chr6:42,965,136-42,965,137, AC deleted on the plus strand (GT on the coding strand, the reverse complement: PEX6 is on the minus strand); deleting any 2 consecutive bases within chr6:42,965,136-42,965,139 gives the same sequence; the c. name uses the placement nearest the transcript's 3' end. VCF-style (leftmost placement, unchanged base first): chr6-42965135-AAC-A. GRCh37 (hg19) VCF-style: chr6-42932873-AAC-A.
Other names: c.2340_2341del, p.Phe781fs (NM_001316313.2); short protein forms F781fs, F869fs.
Identifiers: ClinVar variation 5013745 (VCV005013745.1).

ClinVar aggregate classification (germline): Pathogenic (1 of 4 stars; one submission).

Conditions:
Peroxisome biogenesis disorder. Identifiers: Orphanet 79189, MedGen C1832200, MONDO:0019234. Disease mechanism: loss of function.

Submission:

Myriad Genetics, Inc.
Classification: Pathogenic for Peroxisome biogenesis disorder. Last evaluated: 2024-11-13. Review status: criteria provided, single submitter. Criteria: Myriad Autosomal Dominant, Autosomal Recessive and X-Linked Classification Criteria (2023). Collection method: clinical testing. Allele origin: unknown.
Comment: NM_000287.3(PEX6):c.2604_2605delGT(F869Cfs*5) is expected to be pathogenic in the context of peroxisome biogenesis disorder type 4. This variant is predicted to lead to an abnormal or absent protein product due to the creation of a premature termination codon in PEX6, a gene where loss-of-function variants are known to be pathogenic. Please note: this variant was assessed in the context of healthy population screening.